The following is an entry in ClinVar:

ClinVar aggregate classification (germline): Benign (3 of 4 stars; one submission).

Conditions:
Breast-ovarian cancer, familial, susceptibility to, 2 (BROVCA2). Also called: BRCA2 Hereditary Breast and Ovarian Cancer. Identifiers: Orphanet 145, MedGen C2675520, MONDO:0012933, OMIM 612555. Disease mechanism: loss of function.

Allele frequency attached by ClinVar (database versions not stated): gnomAD 0.03697 and 0.04097; TOPMed 0.04223; 1000 Genomes Project 0.07368; 1000 Genomes Project 30x 0.07370.
gnomAD v4.1: 6,232 of 152,120 alleles (4.1%); highest among the groups gnomAD compares: South Asian, 11%; 219 homozygotes.

Submission:

Evidence-based Network for the Interpretation of Germline Mutant Alleles (ENIGMA)
Classification: Benign for Breast-ovarian cancer, familial 2. Last evaluated: 2015-01-12. Review status: reviewed by expert panel. Criteria: ENIGMA BRCA1/2 Classification Criteria (2015). Collection method: curation. Allele origin: germline.
Comment: Class 1 not pathogenic based on frequency >1% in an outbred sampleset. Frequency 0.1049 (Asian), 0.01423 (African), 0.03694 (European), derived from 1000 genomes (2012-04-30).

NM_000059.4(BRCA2):c.317-975G>A

Gene: BRCA2 (BRCA2 DNA repair associated; plus strand). Cytogenetic location: 13q13.1.
Variant type: single nucleotide variant.
Coding change: c.317-975G>A on transcript NM_000059.4 (MANE Select); 975 bases into the intron before coding-DNA position 317, G replaced by A.
Molecular consequence: intron variant.
Genome position (GRCh38, 1-based): chr13:32,324,101, G>A. VCF-style: chr13-32324101-G-A. GRCh37 (hg19) VCF-style: chr13-32898238-G-A.
Other names: IVS 3-975G>A.
Identifiers: ClinVar variation 209639 (VCV000209639.1), dbSNP rs11571605, ClinGen allele CA276608.
Genomic context (GRCh38, chr13:32,324,101, plus strand): 5'-TATTCATCCAGTCAATATTTCAGGAGTGACTAATATACCAGACATTTTTGTAGTTGCTAG[G>A]GATACAGTGACAAATAAGACAAAATCTCTACCTCAGATTGCTCACAGCCTAGTAGGGGGA-3'